The following is an entry in ClinVar:

NM_001134232.2(TMEM106B):c.386_387del (p.Lys129fs)

Gene: TMEM106B (transmembrane protein 106B; plus strand). Cytogenetic location: 7p21.3.
Variant type: Deletion.
Coding change: c.386_387del on transcript NM_001134232.2 (MANE Select); coding-DNA positions 386 to 387, 2 bases deleted (AA; older notation c.386_387delAA).
Protein change: p.Lys129fs; shifts the reading frame from lysine 129.
Molecular consequence: frameshift variant.
Genome position (GRCh38, 1-based): chr7:12,224,330-12,224,331, AA deleted; deleting any 2 consecutive bases within chr7:12,224,328-12,224,331 gives the same sequence; the c. name uses the placement nearest the transcript's 3' end. VCF-style (leftmost placement, unchanged base first): chr7-12224327-TAA-T. GRCh37 (hg19) VCF-style: chr7-12263953-TAA-T.
Other names: c.386_387del, p.Lys129fs (NM_018374.4); short protein forms K129fs.
Identifiers: ClinVar variation 1307569 (VCV001307569.2), dbSNP rs2128526013, ClinGen allele CA2573052809.
Genomic context (GRCh38, chr7:12,224,327, plus strand): 5'-TTTCTGGATTGGCTGTGTTTTTCCTTTTCCCTCGCTCTATCGACGTGAAATACATTGGTG[TAA>T]AATCAGCCTATGTCAGTTATGATGTTCAGAAGCGTACAATTTATTTAAATATCACAGTGA-3'

ClinVar aggregate classification (germline): Uncertain significance (1 of 4 stars; one submission).

Submission:

GeneDx
Classification: Uncertain significance. Last evaluated: 2019-08-12. Review status: criteria provided, single submitter. Criteria: GeneDx Variant Classification Process June 2021. Collection method: clinical testing. Allele origin: germline. Affected: yes.
Comment: Not observed in large population cohorts (Lek et al., 2016); Frameshift variant predicted to result in protein truncation or nonsense mediated decay in a gene for which loss-of-function is not a known mechanism of disease; Has not been previously published as pathogenic or benign to our knowledge